The following is an entry in ClinVar:

NM_013247.5(HTRA2):c.173G>C (p.Trp58Ser)

Gene: HTRA2 (HtrA serine peptidase 2; plus strand). Cytogenetic location: 2p13.1.
Variant type: single nucleotide variant.
Coding change: c.173G>C on transcript NM_013247.5 (MANE Select); coding-DNA position 173, G replaced by C.
Protein change: p.Trp58Ser; replaces tryptophan 58 with serine.
Molecular consequence: missense variant. On other transcripts: non-coding transcript variant (1).
Genome position (GRCh38, 1-based): chr2:74,530,179, G>C. VCF-style: chr2-74530179-G-C. GRCh37 (hg19) VCF-style: chr2-74757306-G-C.
Other names: c.173G>C, p.Trp58Ser (NM_001321727.1, NM_001321728.1, NM_145074.2); short protein forms W58S.
Identifiers: ClinVar variation 1715835 (VCV001715835.5), dbSNP rs1228469216, ClinGen allele CA347376764.

ClinVar aggregate classification (germline): Uncertain significance (1 of 4 stars; one submission).

Submission:

Labcorp Genetics (formerly Invitae), Labcorp
Classification: Uncertain significance. Last evaluated: 2022-08-09. Review status: criteria provided, single submitter. Criteria: Invitae Variant Classification Sherloc (09022015). Collection method: clinical testing. Allele origin: germline.
Comment: This sequence change replaces tryptophan, which is neutral and slightly polar, with serine, which is neutral and polar, at codon 58 of the HTRA2 protein (p.Trp58Ser). This variant is not present in population databases (gnomAD no frequency). This variant has not been reported in the literature in individuals affected with HTRA2-related conditions. Algorithms developed to predict the effect of missense changes on protein structure and function (SIFT, PolyPhen-2, Align-GVGD) all suggest that this variant is likely to be tolerated. In summary, the available evidence is currently insufficient to determine the role of this variant in disease. Therefore, it has been classified as a Variant of Uncertain Significance.